The following is an entry in ClinVar:

ClinVar aggregate classification (germline): Uncertain significance (1 of 4 stars; one submission).

Conditions:
Dystonia 12 (DYT12). Also called: Rapid-Onset Dystonia-Parkinsonism (RDP); DYT-ATP1A3. Identifiers: Orphanet 71517, MedGen C1868681, MONDO:0007496, OMIM 128235.

Allele frequency attached by ClinVar (database versions not stated): gnomAD exomes below 0.00001.
gnomAD v4.1: 1 of 1,614,142 alleles (0.000062%); highest among the groups gnomAD compares: South Asian, 0.0011%; no homozygotes.

Submission:

Labcorp Genetics (formerly Invitae), Labcorp
Classification: Uncertain significance for Dystonia 12. Last evaluated: 2023-01-17. Review status: criteria provided, single submitter. Criteria: Invitae Variant Classification Sherloc (09022015). Collection method: clinical testing. Allele origin: germline.
Comment: In summary, the available evidence is currently insufficient to determine the role of this variant in disease. Therefore, it has been classified as a Variant of Uncertain Significance. Algorithms developed to predict the effect of sequence changes on RNA splicing suggest that this variant may create or strengthen a splice site. This variant has not been reported in the literature in individuals affected with ATP1A3-related conditions. This variant is present in population databases (no rsID available, gnomAD 0.003%). This sequence change affects codon 42 of the ATP1A3 mRNA. It is a 'silent' change, meaning that it does not change the encoded amino acid sequence of the ATP1A3 protein.

NM_152296.5(ATP1A3):c.126C>T (p.Cys42=)

Gene: ATP1A3 (ATPase Na+/K+ transporting subunit alpha 3; minus strand). Cytogenetic location: 19q13.2.
Variant type: single nucleotide variant.
Coding change: c.126C>T on transcript NM_152296.5 (MANE Select); coding-DNA position 126, C replaced by T.
Protein change: p.Cys42=; no amino-acid change (cysteine 42 retained).
Molecular consequence: synonymous variant.
Genome position (GRCh38, 1-based): chr19:41,988,345, G>A on the plus strand (C>T on the coding strand, the complement: ATP1A3 is on the minus strand). VCF-style: chr19-41988345-G-A. GRCh37 (hg19) VCF-style: chr19-42492497-G-A.
Other names: c.159C>T, p.Cys53= (NM_001256213.2); c.165C>T, p.Cys55= (NM_001256214.2).
Identifiers: ClinVar variation 3009689 (VCV003009689.3), dbSNP rs1555866199, ClinGen allele CA507695621.